The following is an entry in ClinVar:

ClinVar aggregate classification (germline): Pathogenic (1 of 4 stars; one submission).

Conditions:
Lysinuric protein intolerance (LPI). Identifiers: Orphanet 470, MedGen C0268647, MONDO:0009109, OMIM 222700.

Submission:

Labcorp Genetics (formerly Invitae), Labcorp
Classification: Pathogenic for Lysinuric protein intolerance. Last evaluated: 2020-06-16. Review status: criteria provided, single submitter. Criteria: Invitae Variant Classification Sherloc (09022015). Collection method: clinical testing. Allele origin: germline.
Comment: This sequence change creates a premature translational stop signal (p.Lys99Glufs*30) in the SLC7A7 gene. It is expected to result in an absent or disrupted protein product. For these reasons, this variant has been classified as Pathogenic. Loss-of-function variants in SLC7A7 are known to be pathogenic (PMID: 10631139, 17764084). This variant has not been reported in the literature in individuals with SLC7A7-related conditions. This variant is not present in population databases (ExAC no frequency).

Literature cited by the submitters: PubMed 10631139; PubMed 17764084.

NM_003982.4(SLC7A7):c.293dup (p.Lys99fs)

Gene: SLC7A7 (solute carrier family 7 member 7; minus strand). Cytogenetic location: 14q11.2.
Variant type: Duplication.
Coding change: c.293dup on transcript NM_003982.4 (MANE Select); coding-DNA position 293, one base duplicated (A; older notation c.293dupA).
Protein change: p.Lys99fs; shifts the reading frame from lysine 99.
Molecular consequence: frameshift variant.
Genome position (GRCh38, 1-based): chr14:22,813,106, T duplicated on the plus strand (A on the coding strand, the reverse complement: SLC7A7 is on the minus strand); the first of 2 consecutive T bases (chr14:22,813,106-22,813,107); duplicating either gives the same sequence. VCF-style (leftmost placement, unchanged base first): chr14-22813105-C-CT. GRCh37 (hg19) VCF-style: chr14-23282314-C-CT.
Other names: c.293dup, p.Lys99fs (NM_001126105.3, NM_001126106.4); short protein forms K99fs.
Identifiers: ClinVar variation 1069542 (VCV001069542.7), dbSNP rs2039344714, ClinGen allele CA961000248.